The following is an entry in ClinVar:

NM_001387430.1(SH2B1):c.2122A>G (p.Ile708Val)

Gene: SH2B1 (SH2B adaptor protein 1; plus strand). Cytogenetic location: 16p11.2.
Variant type: single nucleotide variant.
Coding change: c.2122A>G on transcript NM_001387430.1 (MANE Select); coding-DNA position 2122, A replaced by G.
Protein change: p.Ile708Val; replaces isoleucine 708 with valine.
Molecular consequence: missense variant. On other transcripts: 3 prime UTR variant (5).
Genome position (GRCh38, 1-based): chr16:28,873,671, A>G. VCF-style: chr16-28873671-A-G. GRCh37 (hg19) VCF-style: chr16-28884992-A-G.
Other names: c.2122A>G, p.Ile708Val (NM_001145795.2, NM_001308293.2, NM_001387404.1); c.*206A>G (NM_001145796.2, NM_001145812.2, NM_001308294.2 and 1 more transcripts); c.*223A>G (NM_001145797.2); short protein forms I708V.
Identifiers: ClinVar variation 3352867 (VCV003352867.1).

ClinVar aggregate classification (germline): Uncertain significance (0 of 4 stars; one submission).

Conditions:
SH2B1-related disorder. Also called: SH2B1-related condition.

Submission:

PreventionGenetics, part of Exact Sciences
Classification: Uncertain significance for SH2B1-related condition. Last evaluated: 2024-07-15. Review status: no assertion criteria provided. Collection method: clinical testing. Allele origin: germline.
Comment: The SH2B1 c.2122A>G variant is predicted to result in the amino acid substitution p.Ile708Val. To our knowledge, this variant has not been reported in the literature or in a large population database, indicating this variant is rare. At this time, the clinical significance of this variant is uncertain due to the absence of conclusive functional and genetic evidence.